The following is an entry in ClinVar:

NM_016038.4(SBDS):c.703G>C (p.Glu235Gln)

Gene: SBDS (SBDS ribosome maturation factor; minus strand). Cytogenetic location: 7q11.21.
Variant type: single nucleotide variant.
Coding change: c.703G>C on transcript NM_016038.4 (MANE Select); coding-DNA position 703, G replaced by C.
Protein change: p.Glu235Gln; replaces glutamic acid 235 with glutamine.
Molecular consequence: missense variant.
Genome position (GRCh38, 1-based): chr7:66,988,421, C>G on the plus strand (G>C on the coding strand, the complement: SBDS is on the minus strand). VCF-style: chr7-66988421-C-G. GRCh37 (hg19) VCF-style: chr7-66453408-C-G.
Other names: short protein forms E235Q.
Identifiers: ClinVar variation 3792724 (VCV003792724.1).

ClinVar aggregate classification (germline): Uncertain significance (1 of 4 stars; one submission).

Conditions:
Inborn genetic diseases. Identifiers: MedGen C0950123, MeSH D030342.

gnomAD v4.1: 3 of 1,613,848 alleles (0.00019%); highest among the groups gnomAD compares: Middle Eastern, 0.016%; no homozygotes.

Submission:

Ambry Genetics
Classification: Uncertain significance for Inborn genetic diseases. Last evaluated: 2025-01-27. Review status: criteria provided, single submitter. Criteria: Ambry Variant Classification Scheme 2023. Collection method: clinical testing. Allele origin: germline.
Comment: The p.E235Q variant (also known as c.703G>C), located in coding exon 5 of the SBDS gene, results from a G to C substitution at nucleotide position 703. The glutamic acid at codon 235 is replaced by glutamine, an amino acid with highly similar properties. This amino acid position is conserved. In addition, the in silico prediction for this alteration is inconclusive. Based on the available evidence, the clinical significance of this variant remains unclear.